The following is an entry in ClinVar:

NM_000492.4(CFTR):c.1154A>G (p.Tyr385Cys)

Gene: CFTR (CF transmembrane conductance regulator; plus strand). Cytogenetic location: 7q31.2.
Variant type: single nucleotide variant.
Coding change: c.1154A>G on transcript NM_000492.4 (MANE Select); coding-DNA position 1154, A replaced by G.
Protein change: p.Tyr385Cys; replaces tyrosine 385 with cysteine.
Molecular consequence: missense variant.
Genome position (GRCh38, 1-based): chr7:117,542,053, A>G. VCF-style: chr7-117542053-A-G. GRCh37 (hg19) VCF-style: chr7-117182107-A-G.
Other names: short protein forms Y385C.
Identifiers: ClinVar variation 841291 (VCV000841291.14), dbSNP rs1799062053, ClinGen allele CA368980015.
Genomic context (GRCh38, chr7:117,542,053, plus strand): 5'-TTTTTGCTCTCTTTTATAAATAGGATTTCTTACAAAAGCAAGAATATAAGACATTGGAAT[A>G]TAACTTAACGACTACAGAAGTAGTGATGGAGAATGTAACAGCCTTCTGGGAGGAGGTCAG-3'
Protein context (NP_000483.3, residues 375-395): LQKQEYKTLE[Tyr385Cys]NLTTTEVVME

ClinVar aggregate classification (germline): Uncertain significance. Review status: criteria provided, multiple submitters, no conflicts (2 of 4 stars). 3 submissions from 3 submitters: Uncertain significance (2). 1 of the submissions does not count toward it. Last evaluated 2026-08-27.

Conditions:
Cystic fibrosis (CF). Also called: MUCOVISCIDOSIS. Identifiers: Orphanet 586, MedGen C0010674, MONDO:0009061, OMIM 219700. Disease mechanism: loss of function.

gnomAD v4.1: 1 of 1,598,214 alleles (0.000063%); no homozygotes.

Submissions (3):

Ambry Genetics
Classification: Uncertain significance for Cystic fibrosis. Last evaluated: 2026-08-27. Review status: criteria provided, single submitter. Criteria: Ambry Variant Classification Scheme 2023. Collection method: clinical testing. Allele origin: germline.

Labcorp Genetics (formerly Invitae), Labcorp
Classification: Uncertain significance for Cystic fibrosis. Last evaluated: 2019-12-03. Review status: criteria provided, single submitter. Criteria: Invitae Variant Classification Sherloc (09022015). Collection method: clinical testing. Allele origin: germline.
Comment: In summary, the available evidence is currently insufficient to determine the role of this variant in disease. Therefore, it has been classified as a Variant of Uncertain Significance. Algorithms developed to predict the effect of sequence changes on RNA splicing suggest that this variant may create or strengthen a splice site, but this prediction has not been confirmed by published transcriptional studies. Algorithms developed to predict the effect of missense changes on protein structure and function are either unavailable or do not agree on the potential impact of this missense change (SIFT: "Deleterious"; PolyPhen-2: "Benign"; Align-GVGD: "Class C0"). This variant has not been reported in the literature in individuals with CFTR-related conditions. This variant is not present in population databases (ExAC no frequency). This sequence change replaces tyrosine with cysteine at codon 385 of the CFTR protein (p.Tyr385Cys). The tyrosine residue is moderately conserved and there is a large physicochemical difference between tyrosine and cysteine.

Natera, Inc.
Classification: Uncertain significance for Cystic Fibrosis. Last evaluated: 2020-03-17. Review status: no assertion criteria provided. Collection method: clinical testing. Allele origin: germline. Not counted in ClinVar's aggregate classification.